The following is an entry in ClinVar:

NM_004329.3(BMPR1A):c.944G>A (p.Gly315Glu)

Gene: BMPR1A (bone morphogenetic protein receptor type 1A; plus strand). Cytogenetic location: 10q23.2.
Variant type: single nucleotide variant.
Coding change: c.944G>A on transcript NM_004329.3 (MANE Select); coding-DNA position 944, G replaced by A.
Protein change: p.Gly315Glu; replaces glycine 315 with glutamic acid.
Molecular consequence: missense variant. On other transcripts: non-coding transcript variant (3).
Genome position (GRCh38, 1-based): chr10:86,919,247, G>A. VCF-style: chr10-86919247-G-A. GRCh37 (hg19) VCF-style: chr10-88679004-G-A.
Other names: c.944G>A, p.Gly315Glu (NM_001406568.1, NM_001406569.1, NM_001406570.1 and 19 more transcripts); c.1019G>A, p.Gly340Glu (NM_001406559.1); c.992G>A, p.Gly331Glu (NM_001406560.1); c.938G>A, p.Gly313Glu (NM_001406583.1); c.860G>A, p.Gly287Glu (NM_001406584.1, NM_001406585.1, NM_001406586.1 and 2 more transcripts); c.602G>A, p.Gly201Glu (NM_001406589.1); short protein forms G201E, G287E, G313E, G331E, G340E, G315E.
Identifiers: ClinVar variation 2846868 (VCV002846868.3), dbSNP rs2133590274, ClinGen allele CA377460178.

ClinVar aggregate classification (germline): Uncertain significance (1 of 4 stars; one submission).

Conditions:
Juvenile polyposis syndrome (JPS). Identifiers: Orphanet 2929, MedGen C0345893, MONDO:0017380, OMIM 174900.

Submission:

Labcorp Genetics (formerly Invitae), Labcorp
Classification: Uncertain significance for Juvenile polyposis syndrome. Last evaluated: 2023-03-18. Review status: criteria provided, single submitter. Criteria: Invitae Variant Classification Sherloc (09022015). Collection method: clinical testing. Allele origin: germline.
Comment: This variant is not present in population databases (gnomAD no frequency). This sequence change replaces glycine, which is neutral and non-polar, with glutamic acid, which is acidic and polar, at codon 315 of the BMPR1A protein (p.Gly315Glu). This variant has not been reported in the literature in individuals affected with BMPR1A-related conditions. Advanced modeling of protein sequence and biophysical properties (such as structural, functional, and spatial information, amino acid conservation, physicochemical variation, residue mobility, and thermodynamic stability) performed at Invitae indicates that this missense variant is expected to disrupt BMPR1A protein function. In summary, the available evidence is currently insufficient to determine the role of this variant in disease. Therefore, it has been classified as a Variant of Uncertain Significance.